The following is an entry in ClinVar:

ClinVar aggregate classification (germline): Uncertain significance (1 of 4 stars; one submission).

Submission:

Labcorp Genetics (formerly Invitae), Labcorp
Classification: Uncertain significance. Last evaluated: 2024-11-18. Review status: criteria provided, single submitter. Criteria: Invitae Variant Classification Sherloc (09022015). Collection method: clinical testing. Allele origin: germline.
Comment: This sequence change replaces glutamine, which is neutral and polar, with proline, which is neutral and non-polar, at codon 397 of the MAGEL2 protein (p.Gln397Pro). This variant is not present in population databases (gnomAD no frequency). This variant has not been reported in the literature in individuals affected with MAGEL2-related conditions. An algorithm developed to predict the effect of missense changes on protein structure and function outputs the following: PolyPhen-2: "Not Available". The proline amino acid residue is found in multiple mammalian species, which suggests that this missense change does not adversely affect protein function. In summary, the available evidence is currently insufficient to determine the role of this variant in disease. Therefore, it has been classified as a Variant of Uncertain Significance.

NM_019066.5(MAGEL2):c.1190A>C (p.Gln397Pro)

Gene: MAGEL2 (MAGE family member L2; minus strand). Cytogenetic location: 15q11.2.
Variant type: single nucleotide variant.
Coding change: c.1190A>C on transcript NM_019066.5 (MANE Select); coding-DNA position 1190, A replaced by C.
Protein change: p.Gln397Pro; replaces glutamine 397 with proline.
Molecular consequence: missense variant.
Genome position (GRCh38, 1-based): chr15:23,646,553, T>G on the plus strand (A>C on the coding strand, the complement: MAGEL2 is on the minus strand). VCF-style: chr15-23646553-T-G. GRCh37 (hg19) VCF-style: chr15-23891700-T-G.
Other names: short protein forms Q397P.
Identifiers: ClinVar variation 3654810 (VCV003654810.2).